The following is an entry in ClinVar:

NM_005413.4(SIX3):c.99C>T (p.Gly33=)

Gene: SIX3 (SIX homeobox 3; plus strand). Cytogenetic location: 2p21.
Variant type: single nucleotide variant.
Coding change: c.99C>T on transcript NM_005413.4 (MANE Select); coding-DNA position 99, C replaced by T.
Protein change: p.Gly33=; no amino-acid change (glycine 33 retained).
Molecular consequence: synonymous variant.
Genome position (GRCh38, 1-based): chr2:44,942,203, C>T. VCF-style: chr2-44942203-C-T. GRCh37 (hg19) VCF-style: chr2-45169342-C-T.
Identifiers: ClinVar variation 3029962 (VCV003029962.2), dbSNP rs1173129221, ClinGen allele CA426045620.
Genomic context (GRCh38, chr2:44,942,203, plus strand): 5'-CTTCTTGTTGCCAAACTTCGCCGATTCTCACCACCGCTCCATACTTCTGGCGAGTAGCGG[C>T]GGCGGGAACGGTGCGGGAGGCGGCGGCGGCGCGGGAGGCGGCAGCGGCGGCGGGAACGGT-3'
Protein context (NP_005404.1, residues 23-43): HHRSILLASS[Gly33=]GGNGAGGGGG

ClinVar aggregate classification (germline): Likely benign (0 of 4 stars; one submission).

Conditions:
SIX3-related disorder. Also called: SIX3-related condition; SIX3-Related Disorders.

Submission:

PreventionGenetics, part of Exact Sciences
Classification: Likely benign for SIX3-related condition. Last evaluated: 2020-11-10. Review status: no assertion criteria provided. Collection method: clinical testing. Allele origin: germline.
Comment: This variant is classified as likely benign based on ACMG/AMP sequence variant interpretation guidelines (Richards et al. 2015 PMID: 25741868, with internal and published modifications).